The following is an entry in ClinVar:

NM_001371904.1(APOA5):c.749T>C (p.Leu250Pro)

Gene: APOA5 (apolipoprotein A5; minus strand). Cytogenetic location: 11q23.3.
Variant type: single nucleotide variant.
Coding change: c.749T>C on transcript NM_001371904.1 (MANE Select); coding-DNA position 749, T replaced by C.
Protein change: p.Leu250Pro; replaces leucine 250 with proline.
Molecular consequence: missense variant.
Genome position (GRCh38, 1-based): chr11:116,790,480, A>G on the plus strand (T>C on the coding strand, the complement: APOA5 is on the minus strand). VCF-style: chr11-116790480-A-G. GRCh37 (hg19) VCF-style: chr11-116661196-A-G.
Other names: c.749T>C, p.Leu250Pro (NM_001166598.2, NM_052968.5); short protein forms L250P.
Identifiers: ClinVar variation 1305346 (VCV001305346.4), dbSNP rs2134202946, ClinGen allele CA382736682.
Genomic context (GRCh38, chr11:116,790,480, plus strand): 5'-GCCCCTTCCTCAGTCCCAGTGCCTGCAAAGGCTCTGCTGAGCTCTTCGCGCAGCTGGTCC[A>G]GGTTCTGCTGGATGCGTGCGTGCAGGGCCTTGGCCTTGAGCGTGAGCTTCCGGGAGAGCA-3'
Protein context (NP_001358833.1, residues 240-260): KALHARIQQN[Leu250Pro]DQLREELSRA

ClinVar aggregate classification (germline): Uncertain significance. Review status: criteria provided, multiple submitters, no conflicts (2 of 4 stars). 2 submissions from 2 submitters: Uncertain significance (2). Last evaluated 2024-04-07.

gnomAD v4.1: 1 of 1,602,622 alleles (0.000062%); highest among the groups gnomAD compares: Non-Finnish European, 0.000085%; no homozygotes.

Submissions (2):

Labcorp Genetics (formerly Invitae), Labcorp
Classification: Uncertain significance. Last evaluated: 2024-04-07. Review status: criteria provided, single submitter. Criteria: Invitae Variant Classification Sherloc (09022015). Collection method: clinical testing. Allele origin: germline.
Comment: This sequence change replaces leucine, which is neutral and non-polar, with proline, which is neutral and non-polar, at codon 250 of the APOA5 protein (p.Leu250Pro). This variant is not present in population databases (gnomAD no frequency). This variant has not been reported in the literature in individuals affected with APOA5-related conditions. ClinVar contains an entry for this variant (Variation ID: 1305346). An algorithm developed to predict the effect of missense changes on protein structure and function (PolyPhen-2) suggests that this variant is likely to be disruptive. In summary, the available evidence is currently insufficient to determine the role of this variant in disease. Therefore, it has been classified as a Variant of Uncertain Significance.

GeneDx
Classification: Uncertain significance. Last evaluated: 2019-04-26. Review status: criteria provided, single submitter. Criteria: GeneDx Variant Classification Process June 2021. Collection method: clinical testing. Allele origin: germline. Affected: yes.
Comment: Not observed in large population cohorts (Lek et al., 2016); In silico analysis, which includes protein predictors and evolutionary conservation, supports that this variant does not alter protein structure/function; Has not been previously published as pathogenic or benign to our knowledge